The following is an entry in ClinVar:

NM_016239.4(MYO15A):c.7068C>T (p.Asp2356=)

Gene: MYO15A (myosin XVA; plus strand). Cytogenetic location: 17p11.2.
Variant type: single nucleotide variant.
Coding change: c.7068C>T on transcript NM_016239.4 (MANE Select); coding-DNA position 7068, C replaced by T.
Protein change: p.Asp2356=; no amino-acid change (aspartic acid 2356 retained).
Molecular consequence: synonymous variant.
Genome position (GRCh38, 1-based): chr17:18,149,327, C>T. VCF-style: chr17-18149327-C-T. GRCh37 (hg19) VCF-style: chr17-18052641-C-T.
Identifiers: ClinVar variation 164546 (VCV000164546.16), dbSNP rs373935449, ClinGen allele CA177245.

ClinVar aggregate classification (germline): Conflicting classifications of pathogenicity. Review status: criteria provided, conflicting classifications (1 of 4 stars). 4 submissions from 4 submitters: Uncertain significance (1); Likely benign (3). Last evaluated 2026-01-28.

Conditions:
MYO15A-related disorder. Also called: MYO15A-related condition.
Autosomal recessive nonsyndromic hearing loss 3. Also called: NEUROSENSORY NONSYNDROMIC RECESSIVE DEAFNESS 3. Identifiers: Orphanet 90636, MedGen C1838263, MONDO:0010860, OMIM 600316.

Allele frequency attached by ClinVar (database versions not stated): gnomAD exomes 0.00015; 1000 Genomes Project 30x 0.00016; ExAC 0.00018; 1000 Genomes Project 0.00020; gnomAD 0.00039 and 0.00041; TOPMed 0.00048; ESP Exome Variant Server 0.00064.
gnomAD v4.1: 227 of 1,611,892 alleles (0.014%); highest among the groups gnomAD compares: African/African-American, 0.12%; no homozygotes.

Submissions (4):

Labcorp Genetics (formerly Invitae), Labcorp
Classification: Likely benign. Last evaluated: 2026-01-28. Review status: criteria provided, single submitter. Criteria: Invitae Variant Classification Sherloc (09022015). Collection method: clinical testing. Allele origin: germline.

PreventionGenetics, part of Exact Sciences
Classification: Likely benign for MYO15A-related condition. Last evaluated: 2025-03-19. Review status: criteria provided, single submitter. Criteria: ACMG Guidelines, 2015. Collection method: clinical testing. Allele origin: germline.
Comment: This variant is classified as likely benign based on ACMG/AMP sequence variant interpretation guidelines (Richards et al. 2015 PMID: 25741868, with internal and published modifications).

Illumina Laboratory Services, Illumina
Classification: Uncertain significance for Autosomal recessive nonsyndromic hearing loss 3. Last evaluated: 2018-01-13. Review status: criteria provided, single submitter. Criteria: ICSL Variant Classification Criteria 13 December 2019. Collection method: clinical testing. Allele origin: germline.

Laboratory for Molecular Medicine, Mass General Brigham Personalized Medicine
Classification: Likely benign. Last evaluated: 2012-04-30. Review status: criteria provided, single submitter. Criteria: LMM Criteria. Collection method: clinical testing. Allele origin: germline. Observed: 1 variant allele.
Comment: Asp2356Asp in Exon 34 of MYO15A: This variant is not expected to have clinical s ignificance because it does not alter an amino acid residue, is not located with in the splice consensus sequence, and has been identified in 0.2% (6/3428) of Af rican American chromosomes from a broad population by the NHLBI Exome Sequencing Project.